The following is an entry in ClinVar:

NM_001386795.1(DTNA):c.146A>G (p.Asn49Ser)

Genes: DTNA (dystrobrevin alpha; plus strand), DTNA-AS1 (DTNA antisense RNA 1; minus strand). Cytogenetic location: 18q12.1.
Variant type: single nucleotide variant.
Coding change: c.146A>G on transcript NM_001386795.1 (MANE Select); coding-DNA position 146, A replaced by G.
Protein change: p.Asn49Ser; replaces asparagine 49 with serine.
Molecular consequence: missense variant.
Genome position (GRCh38, 1-based): chr18:34,766,039, A>G. VCF-style: chr18-34766039-A-G. GRCh37 (hg19) VCF-style: chr18-32346003-A-G.
Other names: c.146A>G, p.Asn49Ser (NM_001128175.2, NM_001198938.2, NM_001198939.2 and 35 more transcripts); short protein forms N49S.
Identifiers: ClinVar variation 623092 (VCV000623092.4), dbSNP rs775975702, ClinGen allele CA8935285.

ClinVar aggregate classification (germline): Uncertain significance. Review status: criteria provided, single submitter (1 of 4 stars). 2 submissions from 2 submitters: Uncertain significance (1). 1 of the submissions does not count toward it. Last evaluated 2024-11-18.

Conditions:
Left ventricular noncompaction 1 (LVNC1). Also called: LEFT VENTRICULAR NONCOMPACTION 1 WITH OR WITHOUT CONGENITAL HEART DEFECTS. Identifiers: Orphanet 54260, MedGen C1858725, MONDO:0011403, OMIM 604169.

Allele frequency attached by ClinVar (database versions not stated): gnomAD 0.00001; TOPMed 0.00001; gnomAD exomes below 0.00001; ExAC 0.00001.
gnomAD v4.1: 5 of 1,613,534 alleles (0.00031%); highest among the groups gnomAD compares: Admixed American, 0.0017%; no homozygotes.

Submissions (2):

Labcorp Genetics (formerly Invitae), Labcorp
Classification: Uncertain significance for Left ventricular noncompaction 1. Last evaluated: 2024-11-18. Review status: criteria provided, single submitter. Criteria: Invitae Variant Classification Sherloc (09022015). Collection method: clinical testing. Allele origin: germline.
Comment: This sequence change replaces asparagine, which is neutral and polar, with serine, which is neutral and polar, at codon 49 of the DTNA protein (p.Asn49Ser). This variant is present in population databases (rs775975702, gnomAD 0.0009%). This missense change has been observed in individual(s) with left ventricular noncompaction cardiomyopathy (PMID: 29118297). ClinVar contains an entry for this variant (Variation ID: 623092). An algorithm developed to predict the effect of missense changes on protein structure and function (PolyPhen-2) suggests that this variant is likely to be disruptive. Experimental studies have shown that this missense change affects DTNA function (PMID: 29118297). In summary, the available evidence is currently insufficient to determine the role of this variant in disease. Therefore, it has been classified as a Variant of Uncertain Significance.

OMIM
Classification: Pathogenic for LEFT VENTRICULAR NONCOMPACTION 1. Last evaluated: 2019-03-18. Review status: no assertion criteria provided. Collection method: literature only. Allele origin: germline. Not counted in ClinVar's aggregate classification.

Literature cited by the submitters: PubMed 29118297 (cited by Labcorp Genetics (formerly Invitae), Labcorp and OMIM).